The following is an entry in ClinVar:

NM_001939.3(DRP2):c.2158C>T (p.Arg720Ter)

Gene: DRP2 (dystrophin related protein 2; plus strand). Cytogenetic location: Xq22.1.
Variant type: single nucleotide variant.
Coding change: c.2158C>T on transcript NM_001939.3 (MANE Select); coding-DNA position 2158, C replaced by T.
Protein change: p.Arg720Ter; replaces arginine 720 with a stop codon.
Molecular consequence: nonsense.
Genome position (GRCh38, 1-based): chrX:101,254,902, C>T. VCF-style: chrX-101254902-C-T. GRCh37 (hg19) VCF-style: chrX-100509891-C-T.
Other names: c.1924C>T, p.Arg642Ter (NM_001171184.2); short protein forms R642*, R720*.
Identifiers: ClinVar variation 2809124 (VCV002809124.3), dbSNP rs752738977, ClinGen allele CA10472420.
Genomic context (GRCh38, chrX:101,254,902, plus strand): 5'-TTGCTGCTTTCTTCTAGGCCGGCTTCTTCCCCGATGTGGCCACACGCCGACACACACTCC[C>T]GAATTGAGCATTTTGCCAGCAGGTACCACCAGGTTTGCGGGAGGTGGGTAGGAGCTGTTG-3'

ClinVar aggregate classification (germline): Pathogenic (1 of 4 stars; one submission).

Allele frequency attached by ClinVar (database versions not stated): gnomAD exomes below 0.00001; TOPMed below 0.00001; ExAC 0.00001.
gnomAD v4.1: 1 of 1,211,856 alleles (0.000083%); highest among the groups gnomAD compares: East Asian, 0.003%; no homozygotes.

Submission:

Labcorp Genetics (formerly Invitae), Labcorp
Classification: Pathogenic. Last evaluated: 2022-10-20. Review status: criteria provided, single submitter. Criteria: Invitae Variant Classification Sherloc (09022015). Collection method: clinical testing. Allele origin: germline.
Comment: This variant is present in population databases (rs752738977, gnomAD 0.008%). This sequence change creates a premature translational stop signal (p.Arg720*) in the DRP2 gene. It is expected to result in an absent or disrupted protein product. Loss-of-function variants in DRP2 are known to be pathogenic (PMID: 22764250, 26227883). This variant has not been reported in the literature in individuals affected with DRP2-related conditions. For these reasons, this variant has been classified as Pathogenic.

Literature cited by the submitters: PubMed 22764250; PubMed 26227883.